The following is an entry in ClinVar:

NM_001321120.2(TBX4):c.104C>T (p.Ala35Val)

Gene: TBX4 (T-box transcription factor 4; plus strand). Cytogenetic location: 17q23.2.
Variant type: single nucleotide variant.
Coding change: c.104C>T on transcript NM_001321120.2 (MANE Select); coding-DNA position 104, C replaced by T.
Protein change: p.Ala35Val; replaces alanine 35 with valine.
Molecular consequence: missense variant.
Genome position (GRCh38, 1-based): chr17:61,456,594, C>T. VCF-style: chr17-61456594-C-T. GRCh37 (hg19) VCF-style: chr17-59533955-C-T.
Other names: c.104C>T, p.Ala35Val (LRG_1206t1, NM_018488.3); short protein forms A35V.
Identifiers: ClinVar variation 324243 (VCV000324243.42), dbSNP rs148424252, ClinGen allele CA8689736.
Genomic context (GRCh38, chr17:61,456,594, plus strand): 5'-GGGCCCCGGGCCCAGCGCTCGGAGAGGCCAGCGCAGCCAACGCCCCCGAGCCCGCGCTGG[C>T]AGCGCCGGGCCTCAGCGGAGCCGCGCTAGGCAGCCCCCCGGGACCCGGGGCCGACGTCGT-3'
Protein context (NP_001308049.1, residues 25-45): SAANAPEPAL[Ala35Val]APGLSGAALG

ClinVar aggregate classification (germline): Benign/Likely benign. Review status: criteria provided, multiple submitters, no conflicts (2 of 4 stars). 6 submissions from 6 submitters: Benign (5); Likely benign (1). Last evaluated 2026-09-01.

Conditions:
Coxopodopatellar syndrome. Also called: Small patella syndrome; ISCHIOCOXOPODOPATELLAR SYNDROME; PATELLA APLASIA, COXA VARA, AND TARSAL SYNOSTOSIS; Congenital coxa vara, patella aplasia and tarsal synostosis; ISCHIOCOXOPODOPATELLAR SYNDROME WITH OR WITHOUT PULMONARY ARTERIAL HYPERTENSION; SCOTT-TAOR SYNDROME. Identifiers: Orphanet 1509, MedGen C1840061, MONDO:0007841, OMIM 147891.

Allele frequency attached by ClinVar (database versions not stated): 1000 Genomes Project 30x 0.00484; 1000 Genomes Project 0.00539; ExAC 0.00783; gnomAD 0.00862; TOPMed 0.00898; gnomAD exomes 0.00941 and 0.01185.
gnomAD v4.1: 17,693 of 1,527,750 alleles (1.2%); highest among the groups gnomAD compares: Non-Finnish European, 1.3%; 142 homozygotes.

Submissions (7):

CeGaT Center for Human Genetics Tuebingen
Classification: Benign. Last evaluated: 2026-09-01. Review status: criteria provided, single submitter. Criteria: CeGaT Center For Human Genetics Tuebingen Variant Classification Criteria Version 2. Collection method: clinical testing. Allele origin: germline. Affected: yes. Observed: 13 variant alleles.
Comment: TBX4: BS1, BS2

Labcorp Genetics (formerly Invitae), Labcorp
Classification: Benign. Last evaluated: 2026-02-01. Review status: criteria provided, single submitter. Criteria: Invitae Variant Classification Sherloc (09022015). Collection method: clinical testing. Allele origin: germline.

Genomic Medicine Center of Excellence, King Faisal Specialist Hospital and Research Centre
Classification: Likely benign. Last evaluated: 2025-08-18. Review status: criteria provided, single submitter. Criteria: ACMG Guidelines, 2015. Collection method: clinical testing. Allele origin: germline.

ARUP Laboratories, Molecular Genetics and Genomics, ARUP Laboratories
Classification: Benign. Last evaluated: 2025-05-29. Review status: criteria provided, single submitter. Criteria: ARUP Molecular Germline Variant Investigation Process 2024. Collection method: clinical testing. Allele origin: germline.

Illumina Laboratory Services, Illumina
Classification: Benign for Coxopodopatellar syndrome. Last evaluated: 2018-01-12. Review status: criteria provided, single submitter. Criteria: ICSL Variant Classification Criteria 13 December 2019. Collection method: clinical testing. Allele origin: germline.
Comment: This variant was observed in the ICSL laboratory as part of a predisposition screen in an ostensibly healthy population. It had not been previously curated by ICSL or reported in the Human Gene Mutation Database (HGMD: prior to June 1st, 2018), and was therefore a candidate for classification through an automated scoring system. Utilizing variant allele frequency, disease prevalence and penetrance estimates, and inheritance mode, an automated score was calculated to assess if this variant is too frequent to cause the disease. Based on the score and internal cut-off values, a variant classified as benign is not then subjected to further curation. The score for this variant resulted in a classification of benign for this disease.

Breakthrough Genomics
Classification: Benign. Review status: criteria provided, single submitter. Criteria: ACMG Guidelines, 2015. Collection method: not provided. Allele origin: germline. Inheritance: Autosomal recessive inheritance. Affected: yes.

Dr. Peter K. Rogan Lab, Western University
No classification provided (evidence only). Condition: Malignant tumor of urinary bladder. Review status: no classification provided. Collection method: in vitro. Allele origin: not applicable. Functional consequence: retained intron. Not counted in ClinVar's aggregate classification.